The following is an entry in ClinVar:

ClinVar aggregate classification (germline): Conflicting classifications of pathogenicity. Review status: criteria provided, conflicting classifications (1 of 4 stars). 6 submissions from 6 submitters: Uncertain significance (1); Benign (1); Likely benign (3). 1 of the submissions does not count toward it. Last evaluated 2026-01-28.

Conditions:
TBCE-related disorder. Also called: TBCE-related disorders; TBCE-related condition.
Hypoparathyroidism-retardation-dysmorphism syndrome (HRDS). Also called: SANJAD-SAKATI SYNDROME. Identifiers: Orphanet 2323, MedGen C1855840, MONDO:0009426, OMIM 241410.

Allele frequency attached by ClinVar (database versions not stated): 1000 Genomes Project 30x 0.00016; 1000 Genomes Project 0.00020; ESP Exome Variant Server 0.00085; gnomAD 0.00095 and 0.00098; ExAC 0.00113; TOPMed 0.00130.
gnomAD v4.1: 2,425 of 1,610,840 alleles (0.15%); highest among the groups gnomAD compares: Admixed American, 0.27%; 4 homozygotes.

Submissions (6):

Labcorp Genetics (formerly Invitae), Labcorp
Classification: Benign. Last evaluated: 2026-01-28. Review status: criteria provided, single submitter. Criteria: Invitae Variant Classification Sherloc (09022015). Collection method: clinical testing. Allele origin: germline.

CeGaT Center for Human Genetics Tuebingen
Classification: Likely benign. Last evaluated: 2025-09-01. Review status: criteria provided, single submitter. Criteria: CeGaT Center For Human Genetics Tuebingen Variant Classification Criteria Version 2. Collection method: clinical testing. Allele origin: germline. Affected: yes. Observed: 2 variant alleles.
Comment: TBCE: BS2

Blueprint Genetics
Classification: Likely benign. Last evaluated: 2024-11-06. Review status: criteria provided, single submitter. Criteria: ACMG Guidelines, 2015. Collection method: clinical testing. Allele origin: germline.

Illumina Laboratory Services, Illumina
Classification: Uncertain significance for Hypoparathyroidism-retardation-dysmorphism syndrome. Last evaluated: 2018-01-13. Review status: criteria provided, single submitter. Criteria: ICSL Variant Classification Criteria 13 December 2019. Collection method: clinical testing. Allele origin: germline.

Genetic Services Laboratory, University of Chicago
Classification: Likely benign. Last evaluated: 2016-11-07. Review status: criteria provided, single submitter. Criteria: ACMG Guidelines, 2015. Collection method: clinical testing. Allele origin: germline. Affected: no.

PreventionGenetics, part of Exact Sciences
Classification: Likely benign for TBCE-related condition. Last evaluated: 2020-07-14. Review status: no assertion criteria provided. Collection method: clinical testing. Allele origin: germline. Not counted in ClinVar's aggregate classification.
Comment: This variant is classified as likely benign based on ACMG/AMP sequence variant interpretation guidelines (Richards et al. 2015 PMID: 25741868, with internal and published modifications).

NM_003193.5(TBCE):c.1577G>A (p.Arg526Gln)

Genes: B3GALNT2 (beta-1,3-N-acetylgalactosaminyltransferase 2; minus strand), TBCE (tubulin folding cofactor E; plus strand). Cytogenetic location: 1q42.3.
Variant type: single nucleotide variant.
Coding change: c.1577G>A on transcript NM_003193.5 (MANE Select); coding-DNA position 1577, G replaced by A.
Protein change: p.Arg526Gln; replaces arginine 526 with glutamine.
Molecular consequence: missense variant. On other transcripts: 3 prime UTR variant (1).
Genome position (GRCh38, 1-based): chr1:235,448,755, G>A. VCF-style: chr1-235448755-G-A. GRCh37 (hg19) VCF-style: chr1-235612070-G-A.
Other names: c.*1451C>T (NM_152490.5); c.1577G>A, p.Arg526Gln (NM_001079515.3); c.1730G>A, p.Arg577Gln (NM_001287801.2); c.1238G>A, p.Arg413Gln (NM_001287802.2); short protein forms R526Q, R577Q, R413Q.
Identifiers: ClinVar variation 296313 (VCV000296313.37), dbSNP rs140662460, ClinGen allele CA1464542.